The following is an entry in ClinVar:

NM_182931.3(KMT2E):c.2513C>G (p.Pro838Arg)

Gene: KMT2E (lysine methyltransferase 2E (inactive); plus strand). Cytogenetic location: 7q22.3.
Variant type: single nucleotide variant.
Coding change: c.2513C>G on transcript NM_182931.3 (MANE Select); coding-DNA position 2513, C replaced by G.
Protein change: p.Pro838Arg; replaces proline 838 with arginine.
Molecular consequence: missense variant.
Genome position (GRCh38, 1-based): chr7:105,105,920, C>G. VCF-style: chr7-105105920-C-G. GRCh37 (hg19) VCF-style: chr7-104746367-C-G.
Other names: c.2513C>G, p.Pro838Arg (NM_001410908.1, NM_018682.4); short protein forms P838R.
Identifiers: ClinVar variation 2117144 (VCV002117144.4), dbSNP rs2536504083, ClinGen allele CA368786637.
Genomic context (GRCh38, chr7:105,105,920, plus strand): 5'-GATGGTTGAAACAAGCTCTGGAAGAAGAAAATTCAGCAATTTTACATAGATTTAATTCAC[C>G]CTGTCAAGAAAGATCCAGAAGTCCTGCAGTCAATGGTGAAAATAAAAGTCCACTACTATT-3'
Protein context (NP_891847.1, residues 828-848): NSAILHRFNS[Pro838Arg]CQERSRSPAV

ClinVar aggregate classification (germline): Uncertain significance (1 of 4 stars; one submission).

Allele frequency attached by ClinVar (database versions not stated): gnomAD exomes below 0.00001.
gnomAD v4.1: 1 of 1,613,526 alleles (0.000062%); highest among the groups gnomAD compares: Non-Finnish European, 0.000085%; no homozygotes.

Submission:

Labcorp Genetics (formerly Invitae), Labcorp
Classification: Uncertain significance. Last evaluated: 2022-04-22. Review status: criteria provided, single submitter. Criteria: Invitae Variant Classification Sherloc (09022015). Collection method: clinical testing. Allele origin: germline.
Comment: In summary, the available evidence is currently insufficient to determine the role of this variant in disease. Therefore, it has been classified as a Variant of Uncertain Significance. Algorithms developed to predict the effect of missense changes on protein structure and function are either unavailable or do not agree on the potential impact of this missense change (SIFT: "Tolerated"; PolyPhen-2: "Possibly Damaging"; Align-GVGD: "Class C0"). This variant has not been reported in the literature in individuals affected with KMT2E-related conditions. This variant is not present in population databases (gnomAD no frequency). This sequence change replaces proline, which is neutral and non-polar, with arginine, which is basic and polar, at codon 838 of the KMT2E protein (p.Pro838Arg).